The following is an entry in ClinVar:

NM_005005.3(NDUFB9):c.364A>C (p.Arg122=)

Gene: NDUFB9 (NADH:ubiquinone oxidoreductase subunit B9; plus strand). Cytogenetic location: 8q24.13.
Variant type: single nucleotide variant.
Coding change: c.364A>C on transcript NM_005005.3 (MANE Select); coding-DNA position 364, A replaced by C.
Protein change: p.Arg122=; no amino-acid change (arginine 122 retained).
Molecular consequence: synonymous variant.
Genome position (GRCh38, 1-based): chr8:124,547,069, A>C. VCF-style: chr8-124547069-A-C. GRCh37 (hg19) VCF-style: chr8-125559310-A-C.
Other names: c.196A>C, p.Arg66= (NM_001278645.2); c.235A>C, p.Arg79= (NM_001278646.2); c.331A>C, p.Arg111= (NM_001311168.2).
Identifiers: ClinVar variation 518188 (VCV000518188.4), dbSNP rs1167377589, ClinGen allele CA462751465.

ClinVar aggregate classification (germline): Likely benign. Review status: criteria provided, multiple submitters, no conflicts (2 of 4 stars). 2 submissions from 2 submitters: Likely benign (2). Last evaluated 2018-07-27.

Allele frequency attached by ClinVar (database versions not stated): gnomAD exomes below 0.00001.
gnomAD v4.1: 7 of 1,613,694 alleles (0.00043%); highest among the groups gnomAD compares: South Asian, 0.0011%; no homozygotes.

Submissions (2):

Labcorp Genetics (formerly Invitae), Labcorp
Classification: Likely benign. Last evaluated: 2018-07-27. Review status: criteria provided, single submitter. Criteria: Invitae Variant Classification Sherloc (09022015). Collection method: clinical testing. Allele origin: germline.

GeneDx
Classification: Likely benign. Last evaluated: 2017-06-27. Review status: criteria provided, single submitter. Criteria: GeneDx Variant Classification (06012015). Collection method: clinical testing. Allele origin: germline. Affected: yes.
Comment: This variant is considered likely benign or benign based on one or more of the following criteria: it is a conservative change, it occurs at a poorly conserved position in the protein, it is predicted to be benign by multiple in silico algorithms, and/or has population frequency not consistent with disease.